The following is an entry in ClinVar:

ClinVar aggregate classification (germline): Pathogenic (1 of 4 stars; one submission).

Conditions:
Cardiovascular phenotype. Identifiers: MedGen CN230736.

Submission:

Ambry Genetics
Classification: Pathogenic for Cardiovascular phenotype. Last evaluated: 2026-05-07. Review status: criteria provided, single submitter. Criteria: Ambry Variant Classification Scheme 2023. Collection method: clinical testing. Allele origin: germline.
Comment: The p.E72* pathogenic mutation (also known as c.214G>T), located in coding exon 2 of the BAG3 gene, results from a G to T substitution at nucleotide position 214. This changes the amino acid from a glutamic acid to a stop codon within coding exon 2. This variant is considered to be rare based on population cohorts in the Genome Aggregation Database (gnomAD). This alteration is expected to result in loss of function by premature protein truncation or nonsense-mediated mRNA decay. As such, this alteration is interpreted as a disease-causing mutation.

NM_004281.4(BAG3):c.214G>T (p.Glu72Ter)

Gene: BAG3 (BAG cochaperone 3; plus strand). Cytogenetic location: 10q26.11.
Variant type: single nucleotide variant.
Coding change: c.214G>T on transcript NM_004281.4 (MANE Select); coding-DNA position 214, G replaced by T.
Protein change: p.Glu72Ter; replaces glutamic acid 72 with a stop codon.
Molecular consequence: nonsense.
Genome position (GRCh38, 1-based): chr10:119,669,884, G>T. VCF-style: chr10-119669884-G-T. GRCh37 (hg19) VCF-style: chr10-121429396-G-T.
Other names: short protein forms E72*.
Identifiers: ClinVar variation 4867330 (VCV004867330.1).